The following is an entry in ClinVar:

ClinVar aggregate classification (germline): Likely benign. Review status: criteria provided, single submitter (1 of 4 stars). 2 submissions from 2 submitters: Likely benign (1). 1 of the submissions does not count toward it. Last evaluated 2026-09-21.

Conditions:
NRAP-related disorder. Also called: NRAP-related condition.

Allele frequency attached by ClinVar (database versions not stated): 1000 Genomes Project 30x 0.00312; 1000 Genomes Project 0.00359; ESP Exome Variant Server 0.00008; ExAC 0.00087; gnomAD 0.00034; TOPMed 0.00036.
gnomAD v4.1: 325 of 1,594,496 alleles (0.02%); highest among the groups gnomAD compares: East Asian, 0.64%; 6 homozygotes.

Submissions (2):

Molecular Diagnostic Laboratory for Inherited Cardiovascular Disease, Montreal Heart Institute
Classification: Likely benign. Last evaluated: 2026-09-21. Review status: criteria provided, single submitter. Criteria: ACMG Guidelines, 2015. Collection method: clinical testing. Allele origin: germline. Affected: no.
Comment: BS1, BP7

PreventionGenetics, part of Exact Sciences
Classification: Benign for NRAP-related condition. Last evaluated: 2019-04-16. Review status: no assertion criteria provided. Collection method: clinical testing. Allele origin: germline. Not counted in ClinVar's aggregate classification.
Comment: This variant is classified as benign based on ACMG/AMP sequence variant interpretation guidelines (Richards et al. 2015 PMID: 25741868, with internal and published modifications).

NM_198060.4(NRAP):c.4536C>T (p.Asp1512=)

Gene: NRAP (nebulin related anchoring protein; minus strand). Cytogenetic location: 10q25.3.
Variant type: single nucleotide variant.
Coding change: c.4536C>T on transcript NM_198060.4 (MANE Select); coding-DNA position 4536, C replaced by T.
Protein change: p.Asp1512=; no amino-acid change (aspartic acid 1512 retained).
Molecular consequence: synonymous variant.
Genome position (GRCh38, 1-based): chr10:113,595,623, G>A on the plus strand (C>T on the coding strand, the complement: NRAP is on the minus strand). VCF-style: chr10-113595623-G-A. GRCh37 (hg19) VCF-style: chr10-115355382-G-A.
Other names: c.4536C>T, p.Asp1512= (NM_001261463.2); c.4428C>T, p.Asp1476= (NM_001322945.2); c.4431C>T, p.Asp1477= (NM_006175.5); c.4536C>T (NM_198060.3).
Identifiers: ClinVar variation 3060628 (VCV003060628.3), dbSNP rs139537678, ClinGen allele CA5694389.
Genomic context (GRCh38, chr10:113,595,623, plus strand): 5'-TTGGGCACAGATCATTTTACAAAAGTGGGCACACGTTCCATGAACCACCAGTTCACTTAC[G>A]TCACTCAGATGCAGCGCATTGAGGCGAGCTCGGGTGAAATCGGGATGGTCGGGGATCAGG-3'
Protein context (NP_932326.2, residues 1502-1522): RARLNALHLS[Asp1512=]KVYRNSWEQT